The following is an entry in ClinVar:

NM_001283009.2(RTEL1):c.2737G>C (p.Ala913Pro)

Genes: RTEL1-TNFRSF6B (RTEL1-TNFRSF6B readthrough (NMD candidate); plus strand), RTEL1 (regulator of telomere elongation helicase 1; plus strand). Cytogenetic location: 20q13.33.
Variant type: single nucleotide variant.
Coding change: c.2737G>C on transcript NM_001283009.2 (MANE Select); coding-DNA position 2737, G replaced by C.
Protein change: p.Ala913Pro; replaces alanine 913 with proline.
Molecular consequence: missense variant. On other transcripts: non-coding transcript variant (1).
Genome position (GRCh38, 1-based): chr20:63,692,889, G>C. VCF-style: chr20-63692889-G-C. GRCh37 (hg19) VCF-style: chr20-62324242-G-C.
Other names: c.2809G>C (NM_032957.4); c.2068G>C, p.Ala690Pro (NM_001283010.1); c.2737G>C, p.Ala913Pro (NM_016434.4); c.2809G>C, p.Ala937Pro (NM_032957.5); short protein forms A690P, A937P, A913P.
Identifiers: ClinVar variation 3730999 (VCV003730999.2).

ClinVar aggregate classification (germline): Uncertain significance. Review status: criteria provided, single submitter (1 of 4 stars). 2 submissions from 2 submitters: Uncertain significance (1). 1 of the submissions does not count toward it. Last evaluated 2024-08-15.

Conditions:
Dyskeratosis congenita. Identifiers: Orphanet 1775, MedGen C0265965, MONDO:0015780.

Submissions (2):

GeneDx
Classification: Uncertain significance. Last evaluated: 2024-08-15. Review status: criteria provided, single submitter. Criteria: GeneDx Variant Classification Process June 2021. Collection method: clinical testing. Allele origin: germline. Affected: yes.
Comment: Not observed at significant frequency in large population cohorts (gnomAD); In silico analysis supports that this missense variant has a deleterious effect on protein structure/function; Has not been previously published as pathogenic or benign to our knowledge; In silico analysis suggests this variant may impact gene splicing. In the absence of RNA/functional studies, the actual effect of this sequence change is unknown.

Natera, Inc.
Classification: Uncertain significance for Dyskeratosis congenita. Last evaluated: 2025-02-04. Review status: no assertion criteria provided. Collection method: clinical testing. Allele origin: germline. Not counted in ClinVar's aggregate classification.